The following is an entry in ClinVar:

ClinVar aggregate classification (germline): Uncertain significance. Review status: criteria provided, multiple submitters, no conflicts (2 of 4 stars). 2 submissions from 2 submitters: Uncertain significance (2). Last evaluated 2024-09-08.

Conditions:
Inborn genetic diseases. Identifiers: MedGen C0950123, MeSH D030342.
Congenital brain dysgenesis due to glutamine synthetase deficiency (GLND). Also called: GLUTAMINE SYNTHASE DEFICIENCY, CONGENITAL SYSTEMIC. Identifiers: Orphanet 71278, MedGen C1864910, MONDO:0012393, OMIM 610015.

Allele frequency attached by ClinVar (database versions not stated): ExAC 0.00002; ESP Exome Variant Server 0.00008; gnomAD exomes 0.00001; gnomAD 0.00002; TOPMed 0.00002.
gnomAD v4.1: 13 of 1,613,830 alleles (0.00081%); highest among the groups gnomAD compares: African/African-American, 0.0053%; no homozygotes.

Submissions (2):

Ambry Genetics
Classification: Uncertain significance for Inborn genetic diseases. Last evaluated: 2024-09-08. Review status: criteria provided, single submitter. Criteria: Ambry Variant Classification Scheme 2023. Collection method: clinical testing. Allele origin: germline.

Labcorp Genetics (formerly Invitae), Labcorp
Classification: Uncertain significance for Congenital brain dysgenesis due to glutamine synthetase deficiency. Last evaluated: 2022-08-01. Review status: criteria provided, single submitter. Criteria: Invitae Variant Classification Sherloc (09022015). Collection method: clinical testing. Allele origin: germline.
Comment: In summary, the available evidence is currently insufficient to determine the role of this variant in disease. Therefore, it has been classified as a Variant of Uncertain Significance. Algorithms developed to predict the effect of missense changes on protein structure and function are either unavailable or do not agree on the potential impact of this missense change (SIFT: "Tolerated"; PolyPhen-2: "Possibly Damaging"; Align-GVGD: "Class C0"). This variant has not been reported in the literature in individuals affected with GLUL-related conditions. This variant is present in population databases (rs370437511, gnomAD 0.007%). This sequence change replaces arginine, which is basic and polar, with glutamine, which is neutral and polar, at codon 181 of the GLUL protein (p.Arg181Gln).

NM_001033044.4(GLUL):c.542G>A (p.Arg181Gln)

Genes: GLUL (glutamate-ammonia ligase; minus strand), LOC126805944 (CDK7 strongly-dependent group 2 enhancer GRCh37_chr1:182354799-182355998; plus strand). Cytogenetic location: 1q25.3.
Variant type: single nucleotide variant.
Coding change: c.542G>A on transcript NM_001033044.4 (MANE Select); coding-DNA position 542, G replaced by A.
Protein change: p.Arg181Gln; replaces arginine 181 with glutamine.
Molecular consequence: missense variant.
Genome position (GRCh38, 1-based): chr1:182,385,821, C>T on the plus strand (G>A on the coding strand, the complement: GLUL is on the minus strand). VCF-style: chr1-182385821-C-T. GRCh37 (hg19) VCF-style: chr1-182354956-C-T.
Other names: c.542G>A, p.Arg181Gln (NM_001033056.4, NM_002065.7); c.542G>A (NM_002065.5); short protein forms R181Q.
Identifiers: ClinVar variation 2048462 (VCV002048462.5), dbSNP rs370437511, ClinGen allele CA1277116.